The following is an entry in ClinVar:

ClinVar aggregate classification (germline): Pathogenic (1 of 4 stars; one submission).

Conditions:
Pontocerebellar hypoplasia type 1A (PCH1A). Also called: PONTOCEREBELLAR HYPOPLASIA WITH ANTERIOR HORN CELL DISEASE; PONTOCEREBELLAR HYPOPLASIA WITH INFANTILE SPINAL MUSCULAR ATROPHY. Identifiers: Orphanet 2254, Orphanet 88616, MedGen C1843504, MONDO:0011866, OMIM 607596.

Submission:

Labcorp Genetics (formerly Invitae), Labcorp
Classification: Pathogenic for Pontocerebellar hypoplasia type 1A. Last evaluated: 2023-09-14. Review status: criteria provided, single submitter. Criteria: Invitae Variant Classification Sherloc (09022015). Collection method: clinical testing. Allele origin: unknown.
Comment: This variant results in the deletion of part of exon 5 and exons 6-10 (c.318_889+1945delinsTAG) of the VRK1 gene. It is expected to disrupt RNA splicing. Variants that disrupt the donor or acceptor splice site typically lead to a loss of protein function (PMID: 16199547), and loss-of-function variants in VRK1 are known to be pathogenic (PMID: 19646678, 24126608, 27281532). This variant has not been reported in the literature in individuals affected with VRK1-related conditions. ClinVar contains an entry for this variant (Variation ID: 567048). This variant disrupts a region of the VRK1 protein in which other variant(s) (p.His119Arg) have been determined to be pathogenic (PMID: 26583493, 27281532, 31527692). This suggests that this is a clinically significant region of the protein, and that variants that disrupt it are likely to be disease-causing. For these reasons, this variant has been classified as Pathogenic.

Literature cited by the submitters: PubMed 16199547; PubMed 19646678; PubMed 24126608; PubMed 27281532; PubMed 26583493; PubMed 31527692.

NC_000014.8:g.(?_97313625)_(97324868_?)del

Gene: VRK1 (VRK serine/threonine kinase 1; plus strand). Cytogenetic location: 14q32.2.
Variant type: Deletion.
Identifiers: ClinVar variation 3243975 (VCV003243975.1).